The following is an entry in ClinVar:

NM_020944.3(GBA2):c.1A>T (p.Met1Leu)

Gene: GBA2 (glucosylceramidase beta 2; minus strand). Cytogenetic location: 9p13.3.
Variant type: single nucleotide variant.
Coding change: c.1A>T on transcript NM_020944.3 (MANE Select); coding-DNA position 1, A replaced by T.
Protein change: p.Met1Leu; changes the start codon (methionine 1).
Molecular consequence: missense variant, initiator codon variant.
Genome position (GRCh38, 1-based): chr9:35,748,704, T>A on the plus strand (A>T on the coding strand, the complement: GBA2 is on the minus strand). VCF-style: chr9-35748704-T-A. GRCh37 (hg19) VCF-style: chr9-35748701-T-A.
Other names: p.Met1?; c.1A>T, p.Met1Leu (NM_001330660.2); short protein forms M1L.
Identifiers: ClinVar variation 1344338 (VCV001344338.9), dbSNP rs770566458, ClinGen allele CA5050809.
Genomic context (GRCh38, chr9:35,748,704, plus strand): 5'-AGCTTATCTGCTCCGAGGCTGGGACGCCGGTTCCCATGTTCCCTGGATCCTGGGTCCCCA[T>A]GACCTCGATGGCGCCAAGTCCCGAGCCCTCGGATACTAAGTATCTCGCCAGCCTATTCCA-3'
Protein context (NP_065995.1, residues 1-11): [Met1Leu]GTQDPGNMGT

ClinVar aggregate classification (germline): Conflicting classifications of pathogenicity. Review status: criteria provided, conflicting classifications (1 of 4 stars). 4 submissions from 4 submitters: Likely pathogenic (1); Uncertain significance (3). Last evaluated 2025-12-02.

Conditions:
GBA2-related disorder. Also called: GBA2-related condition.
Hereditary spastic paraplegia. Also called: Familial spastic paraparesis. Identifiers: Orphanet 685, MedGen C0037773, MONDO:0019064. Disease mechanism: loss of function.

Allele frequency attached by ClinVar (database versions not stated): ExAC 0.00005; TOPMed 0.00005; gnomAD exomes 0.00006 and 0.00008; gnomAD 0.00004.

Submissions (4):

PreventionGenetics, part of Exact Sciences
Classification: Uncertain significance for GBA2-related condition. Last evaluated: 2025-12-02. Review status: criteria provided, single submitter. Criteria: ACMG Guidelines, 2015. Collection method: clinical testing. Allele origin: germline.
Comment: The GBA2 c.1A>T variant is predicted to disrupt the translation initiation site (Start loss). To our knowledge, this variant has not been reported in the literature. This variant is reported in 0.011% of alleles in individuals of European (Non-Finnish) descent in gnomAD. Loss-of-function variants further downstream of this position have been reported in patients with autosomal recessive spastic paraplegia (see, for example, Hammer et al. 2013. PubMed ID: 23332917). Although we suspect that this variant may be pathogenic, at this time, the clinical significance of this variant is uncertain due to the absence of conclusive functional and genetic evidence.

Women's Health and Genetics/Laboratory Corporation of America, LabCorp
Classification: Uncertain significance. Last evaluated: 2025-06-02. Review status: criteria provided, single submitter. Criteria: LabCorp Variant Classification Summary - May 2015. Collection method: clinical testing. Allele origin: germline.
Comment: Variant summary: GBA2 c.1A>T (p.Met1Leu) alters the initiation codon and is predicted to result either in absence of the protein or truncation of the encoded protein due to translation initiation at a downstream codon. The variant allele was found at a frequency of 5.9e-05 in 204400 control chromosomes. This frequency is not significantly higher than estimated for a pathogenic variant in GBA2 causing Spastic Paraplegia 46, Autosomal Recessive, allowing no conclusion about variant significance. To our knowledge, no occurrence of c.1A>T in individuals affected with Spastic Paraplegia 46, Autosomal Recessive and no experimental evidence demonstrating its impact on protein function have been reported. ClinVar contains an entry for this variant (Variation ID: 1344338). Based on the evidence outlined above, the variant was classified as uncertain significance.

Mayo Clinic Laboratories, Mayo Clinic
Classification: Uncertain significance. Last evaluated: 2024-05-09. Review status: criteria provided, single submitter. Criteria: ACMG Guidelines, 2015. Collection method: clinical testing. Allele origin: germline. Observed: 1 variant allele.
Comment: PM2, PVS1_supporting

Genome Diagnostics Laboratory, The Hospital for Sick Children
Classification: Likely pathogenic for Hereditary spastic paraplegia. Last evaluated: 2016-12-12. Review status: criteria provided, single submitter. Criteria: ACMG Guidelines, 2015. Collection method: clinical testing. Allele origin: germline. Affected: yes.